The following is an entry in ClinVar:

NM_032608.7(MYO18B):c.4080+2T>C

Gene: MYO18B (myosin XVIIIB; plus strand). Cytogenetic location: 22q12.1.
Variant type: single nucleotide variant.
Coding change: c.4080+2T>C on transcript NM_032608.7 (MANE Select); the canonical splice donor site of the intron after coding-DNA position 4080, T replaced by C.
Molecular consequence: splice donor variant.
Genome position (GRCh38, 1-based): chr22:25,874,416, T>C. VCF-style: chr22-25874416-T-C. GRCh37 (hg19) VCF-style: chr22-26270383-T-C.
Other names: c.4083+2T>C (NM_001318245.2).
Identifiers: ClinVar variation 1513463 (VCV001513463.6), dbSNP rs2146187014, ClinGen allele CA411006883.

ClinVar aggregate classification (germline): Likely pathogenic (1 of 4 stars; one submission).

Allele frequency attached by ClinVar (database versions not stated): gnomAD exomes 0.00001.
gnomAD v4.1: 9 of 1,612,770 alleles (0.00056%); highest among the groups gnomAD compares: Non-Finnish European, 0.00068%; no homozygotes.

Submission:

Labcorp Genetics (formerly Invitae), Labcorp
Classification: Likely pathogenic. Last evaluated: 2022-09-19. Review status: criteria provided, single submitter. Criteria: Invitae Variant Classification Sherloc (09022015). Collection method: clinical testing. Allele origin: germline.
Comment: ClinVar contains an entry for this variant (Variation ID: 1513463). In summary, the currently available evidence indicates that the variant is pathogenic, but additional data are needed to prove that conclusively. Therefore, this variant has been classified as Likely Pathogenic. Algorithms developed to predict the effect of sequence changes on RNA splicing suggest that this variant may disrupt the consensus splice site. This variant has not been reported in the literature in individuals affected with MYO18B-related conditions. This variant is not present in population databases (gnomAD no frequency). This sequence change affects a donor splice site in intron 23 of the MYO18B gene. It is expected to disrupt RNA splicing. Variants that disrupt the donor or acceptor splice site typically lead to a loss of protein function (PMID: 16199547), and loss-of-function variants in MYO18B are known to be pathogenic (PMID: 25748484, 32184166, 32637634).

Literature cited by the submitters: PubMed 16199547; PubMed 25748484; PubMed 32184166; PubMed 32637634.